The following is an entry in ClinVar:

ClinVar aggregate classification (germline): Likely benign (1 of 4 stars; one submission).

gnomAD v4.1: 1 of 1,554,742 alleles (0.000064%); highest among the groups gnomAD compares: South Asian, 0.0012%; no homozygotes.

Submission:

GeneDx
Classification: Likely benign. Last evaluated: 2016-03-03. Review status: criteria provided, single submitter. Criteria: GeneDx Variant Classification (06012015). Collection method: clinical testing. Allele origin: germline. Affected: yes.
Comment: This variant is considered likely benign or benign based on one or more of the following criteria: it is a conservative change, it occurs at a poorly conserved position in the protein, it is predicted to be benign by multiple in silico algorithms, and/or has population frequency not consistent with disease.

NM_014946.4(SPAST):c.327G>C (p.Pro109=)

Gene: SPAST (spastin; plus strand). Cytogenetic location: 2p22.3.
Variant type: single nucleotide variant.
Coding change: c.327G>C on transcript NM_014946.4 (MANE Select); coding-DNA position 327, G replaced by C.
Protein change: p.Pro109=; no amino-acid change (proline 109 retained).
Molecular consequence: synonymous variant.
Genome position (GRCh38, 1-based): chr2:32,064,158, G>C. VCF-style: chr2-32064158-G-C. GRCh37 (hg19) VCF-style: chr2-32289227-G-C.
Other names: c.327G>C, p.Pro109= (NM_001363823.2, NM_001363875.2, NM_001377959.1 and 1 more transcripts).
Identifiers: ClinVar variation 383520 (VCV000383520.1), dbSNP rs1033468634, ClinGen allele CA16604219.
Genomic context (GRCh38, chr2:32,064,158, plus strand): 5'-CAAGAGGAGCTCCGGGGCCGCGCCAGCACCTGCCTCGGCCTCGGCCCCGGCGCCGGTGCC[G>C]GGCGGCGAGGCCGAGCGCGTCCGAGTCTTCCACAAACAGGCCTTCGAGTACATCTCCATT-3'
Protein context (NP_055761.2, residues 99-119): PASASAPAPV[Pro109=]GGEAERVRVF